The following is an entry in ClinVar:

NM_003072.5(SMARCA4):c.563A>G (p.Lys188Arg)

Gene: SMARCA4 (SWI/SNF related BAF chromatin remodeling complex subunit ATPase 4; plus strand). Cytogenetic location: 19p13.2.
Variant type: single nucleotide variant.
Coding change: c.563A>G on transcript NM_003072.5 (MANE Select); coding-DNA position 563, A replaced by G.
Protein change: p.Lys188Arg; replaces lysine 188 with arginine.
Molecular consequence: missense variant. On other transcripts: non-coding transcript variant (1).
Genome position (GRCh38, 1-based): chr19:10,986,396, A>G. VCF-style: chr19-10986396-A-G. GRCh37 (hg19) VCF-style: chr19-11097072-A-G.
Other names: c.563A>G, p.Lys188Arg (NM_001128844.3, NM_001128845.2, NM_001128846.2 and 5 more transcripts); short protein forms K188R.
Identifiers: ClinVar variation 1040190 (VCV001040190.9), dbSNP rs2086034556, ClinGen allele CA404056397.

ClinVar aggregate classification (germline): Uncertain significance (1 of 4 stars; one submission).

Conditions:
Rhabdoid tumor predisposition syndrome 2 (RTPS2). Identifiers: Orphanet 231108, Orphanet 69077, MedGen C2750074, MONDO:0013224, OMIM 613325.

Submission:

Labcorp Genetics (formerly Invitae), Labcorp
Classification: Uncertain significance for Rhabdoid tumor predisposition syndrome 2. Last evaluated: 2023-08-30. Review status: criteria provided, single submitter. Criteria: Invitae Variant Classification Sherloc (09022015). Collection method: clinical testing. Allele origin: germline.
Comment: In summary, the available evidence is currently insufficient to determine the role of this variant in disease. Therefore, it has been classified as a Variant of Uncertain Significance. Advanced modeling of protein sequence and biophysical properties (such as structural, functional, and spatial information, amino acid conservation, physicochemical variation, residue mobility, and thermodynamic stability) has been performed at Invitae for this missense variant, however the output from this modeling did not meet the statistical confidence thresholds required to predict the impact of this variant on SMARCA4 protein function. ClinVar contains an entry for this variant (Variation ID: 1040190). This variant has not been reported in the literature in individuals affected with SMARCA4-related conditions. This variant is not present in population databases (gnomAD no frequency). This sequence change replaces lysine, which is basic and polar, with arginine, which is basic and polar, at codon 188 of the SMARCA4 protein (p.Lys188Arg).